The following is an entry in ClinVar:

NM_000516.7(GNAS):c.124C>T (p.Arg42Cys)

Gene: GNAS (GNAS complex locus; plus strand). Cytogenetic location: 20q13.32.
Variant type: single nucleotide variant.
Coding change: c.124C>T on transcript NM_000516.7 (MANE Select); coding-DNA position 124, C replaced by T.
Protein change: p.Arg42Cys; replaces arginine 42 with cysteine.
Molecular consequence: missense variant. On other transcripts: intron variant (6).
Genome position (GRCh38, 1-based): chr20:58,891,850, C>T. VCF-style: chr20-58891850-C-T. GRCh37 (hg19) VCF-style: chr20-57466905-C-T.
Other names: c.124C>T (NM_000516.4, NM_000516.5); c.124C>T, p.Arg42Cys (NM_001077488.5, NM_001077489.4, NM_001309842.2 and 1 more transcripts); c.*43-3762C>T (NM_016592.5); c.-38-3762C>T (NM_001309861.2); c.*1-3762C>T (NM_001077490.3); c.2069-3762C>T (NM_080425.4); c.*159-3762C>T (NM_001309883.1); c.-39+2497C>T (NM_001309840.2); short protein forms R42C.
Identifiers: ClinVar variation 2138358 (VCV002138358.8), dbSNP rs2145916888, ClinGen allele CA409449059.
Genomic context (GRCh38, chr20:58,891,850, plus strand): 5'-GCCAACAAAAAGATCGAGAAGCAGCTGCAGAAGGACAAGCAGGTCTACCGGGCCACGCAC[C>T]GCCTGCTGCTGCTGGGTAAGGGCGGGCGGGGGGCGCCGGCCCCGGCCCGGGGGCCCTCGA-3'
Protein context (NP_000507.1, residues 32-52): KDKQVYRATH[Arg42Cys]LLLLGAGESG

ClinVar aggregate classification (germline): Pathogenic. Review status: criteria provided, multiple submitters, no conflicts (2 of 4 stars). 5 submissions from 5 submitters: Pathogenic (5). Last evaluated 2026-04-06.

Conditions:
GNAS-related disorder. Identifiers: MedGen CN380105.
Inborn genetic diseases. Identifiers: MedGen C0950123, MeSH D030342.

gnomAD v4.1: 2 of 1,232,800 alleles (0.00016%); highest among the groups gnomAD compares: Non-Finnish European, 0.00011%; no homozygotes.

Submissions (5):

GeneDx
Classification: Pathogenic. Last evaluated: 2026-04-06. Review status: criteria provided, single submitter. Criteria: GeneDx Variant Classification Process June 2021. Collection method: clinical testing. Allele origin: germline.
Comment: Not observed at significant frequency in large population cohorts (gnomAD); In silico analysis supports that this missense variant has a deleterious effect on protein structure/function; This variant is associated with the following publications: (PMID: 18805917, 29059381, 31886927, 23533243, 10980525, 29379892, MacGloin2017[Abstract])

Ambry Genetics
Classification: Pathogenic for Inborn genetic diseases. Last evaluated: 2025-07-10. Review status: criteria provided, single submitter. Criteria: Ambry Variant Classification Scheme 2023. Collection method: clinical testing. Allele origin: germline.
Comment: The c.124C>T (p.R42C) alteration is located in exon 1 (coding exon 1) of the GNAS gene. This alteration results from a C to T substitution at nucleotide position 124, causing the arginine (R) at amino acid position 42 to be replaced by a cysteine (C). for pseudopseudohypoparathyroidism and pseudohypoparathyroidism; however, its clinical significance for McCune-Albright syndrome is uncertain. This variant was not reported in population-based cohorts in the Genome Aggregation Database (gnomAD). This variant was reported in individual(s) with features consistent with Pseudohypoparathyroidism (Aldred, 2000; Salemi, 2018; Sano, 2018). This missense alteration is located in a region that has a low rate of benign missense variation (Lek, 2016; Firth, 2009). This alteration is predicted to be deleterious by in silico analysis. Based on the available evidence, this alteration is classified as pathogenic.

Labcorp Genetics (formerly Invitae), Labcorp
Classification: Pathogenic. Last evaluated: 2024-10-07. Review status: criteria provided, single submitter. Criteria: Invitae Variant Classification Sherloc (09022015). Collection method: clinical testing. Allele origin: germline.
Comment: This sequence change replaces arginine, which is basic and polar, with cysteine, which is neutral and slightly polar, at codon 42 of the GNAS protein (p.Arg42Cys). This variant is not present in population databases (gnomAD no frequency). This missense change has been observed in individuals with pseudohypoparathyroidism and/or pseudopseudohypoparathyroidism (PMID: 10980525, 29059381, 29379892, 31886927). It has also been observed to segregate with disease in related individuals. ClinVar contains an entry for this variant (Variation ID: 2138358). Invitae Evidence Modeling of protein sequence and biophysical properties (such as structural, functional, and spatial information, amino acid conservation, physicochemical variation, residue mobility, and thermodynamic stability) indicates that this missense variant is expected to disrupt GNAS protein function with a positive predictive value of 80%. This variant disrupts the p.Arg42 amino acid residue in GNAS. Other variant(s) that disrupt this residue have been observed in individuals with GNAS-related conditions (PMID: 18805917, 23533243), which suggests that this may be a clinically significant amino acid residue. For these reasons, this variant has been classified as Pathogenic.

PreventionGenetics, part of Exact Sciences
Classification: Pathogenic for GNAS-related condition. Last evaluated: 2023-10-06. Review status: criteria provided, single submitter. Criteria: ACMG Guidelines, 2015. Collection method: clinical testing. Allele origin: germline.
Comment: The GNAS c.124C>T variant is predicted to result in the amino acid substitution p.Arg42Cys. This variant was reported in individuals with Albright hereditary osteodystrophy (Aldred et al. 2000. PubMed ID: 10980525; Salemi et al. 2018. PubMed ID: 29059381; Table S2 - Snanoudj et al. 2020. PubMed ID: 31886927). This variant has not been reported in a large population database, indicating this variant is rare. Others variants impacting the same amino acid (p.Arg42Ser, p.Arg42His, p.Arg42Leu) have been reported in patients with GNAS-related phenotypes (Human Gene Mutation Database). Based on this evidence, we interpret this variant as pathogenic.

Blueprint Genetics
Classification: Pathogenic for GNAS-related disorders. Last evaluated: 2022-04-28. Review status: criteria provided, single submitter. Criteria: ACMG Guidelines, 2015. Collection method: clinical testing. Allele origin: germline. Affected: yes. Observed: 1 variant allele.

Literature cited by the submitters: PubMed 10980525 (cited by Ambry Genetics and Labcorp Genetics (formerly Invitae), Labcorp); PubMed 29059381 (cited by Ambry Genetics and Labcorp Genetics (formerly Invitae), Labcorp); PubMed 29379892 (cited by Ambry Genetics and Labcorp Genetics (formerly Invitae), Labcorp); PubMed 31886927 (cited by Labcorp Genetics (formerly Invitae), Labcorp); PubMed 18805917 (cited by Labcorp Genetics (formerly Invitae), Labcorp); PubMed 23533243 (cited by Labcorp Genetics (formerly Invitae), Labcorp).